The following is an entry in ClinVar:

NM_001424.6(EMP2):c.27C>T (p.Ile9=)

Gene: EMP2 (epithelial membrane protein 2; minus strand). Cytogenetic location: 16p13.13.
Variant type: single nucleotide variant.
Coding change: c.27C>T on transcript NM_001424.6 (MANE Select); coding-DNA position 27, C replaced by T.
Protein change: p.Ile9=; no amino-acid change (isoleucine 9 retained).
Molecular consequence: synonymous variant.
Genome position (GRCh38, 1-based): chr16:10,547,591, G>A on the plus strand (C>T on the coding strand, the complement: EMP2 is on the minus strand). VCF-style: chr16-10547591-G-A. GRCh37 (hg19) VCF-style: chr16-10641448-G-A.
Other names: c.27C>T (NM_001424.5).
Identifiers: ClinVar variation 2077004 (VCV002077004.6), dbSNP rs139264011, ClinGen allele CA7897922.

ClinVar aggregate classification (germline): Benign. Review status: criteria provided, single submitter (1 of 4 stars). 2 submissions from 2 submitters: Benign (1). 1 of the submissions does not count toward it. Last evaluated 2025-10-29.

Conditions:
EMP2-related disorder. Also called: EMP2-related condition.

Allele frequency attached by ClinVar (database versions not stated): ExAC 0.00028; 1000 Genomes Project 30x 0.00047; 1000 Genomes Project 0.00060; ESP Exome Variant Server 0.00108.
gnomAD v4.1: 316 of 1,614,186 alleles (0.02%); highest among the groups gnomAD compares: African/African-American, 0.37%; no homozygotes.

Submissions (2):

Labcorp Genetics (formerly Invitae), Labcorp
Classification: Benign. Last evaluated: 2025-10-29. Review status: criteria provided, single submitter. Criteria: Invitae Variant Classification Sherloc (09022015). Collection method: clinical testing. Allele origin: germline.

PreventionGenetics, part of Exact Sciences
Classification: Likely benign for EMP2-related condition. Last evaluated: 2019-10-15. Review status: no assertion criteria provided. Collection method: clinical testing. Allele origin: germline. Not counted in ClinVar's aggregate classification.
Comment: This variant is classified as likely benign based on ACMG/AMP sequence variant interpretation guidelines (Richards et al. 2015 PMID: 25741868, with internal and published modifications).